The following is an entry in ClinVar:

ClinVar aggregate classification (germline): Uncertain significance (1 of 4 stars; one submission).

Conditions:
Charcot-Marie-Tooth disease type 4. Also called: Charcot-Marie-Tooth, Type 4; Charcot-Marie-Tooth disease, type IV. Identifiers: Orphanet 64749, MedGen C4082197, MONDO:0018995.

Allele frequency attached by ClinVar (database versions not stated): gnomAD exomes 0.00001.
gnomAD v4.1: 8 of 1,611,836 alleles (0.0005%); highest among the groups gnomAD compares: African/African-American, 0.0013%; no homozygotes.

Submission:

Labcorp Genetics (formerly Invitae), Labcorp
Classification: Uncertain significance for Charcot-Marie-Tooth disease type 4. Last evaluated: 2022-06-18. Review status: criteria provided, single submitter. Criteria: Invitae Variant Classification Sherloc (09022015). Collection method: clinical testing. Allele origin: germline.
Comment: This sequence change replaces glycine, which is neutral and non-polar, with arginine, which is basic and polar, at codon 1364 of the PRX protein (p.Gly1364Arg). The frequency data for this variant in the population databases is considered unreliable, as metrics indicate poor data quality at this position in the gnomAD database. This variant has not been reported in the literature in individuals affected with PRX-related conditions. ClinVar contains an entry for this variant (Variation ID: 1015111). Algorithms developed to predict the effect of missense changes on protein structure and function output the following: SIFT: "Tolerated"; PolyPhen-2: "Probably Damaging"; Align-GVGD: "Class C0". The arginine amino acid residue is found in multiple mammalian species, which suggests that this missense change does not adversely affect protein function. In summary, the available evidence is currently insufficient to determine the role of this variant in disease. Therefore, it has been classified as a Variant of Uncertain Significance.

NM_181882.3(PRX):c.4090G>A (p.Gly1364Arg)

Gene: PRX (periaxin; minus strand). Cytogenetic location: 19q13.2.
Variant type: single nucleotide variant.
Coding change: c.4090G>A on transcript NM_181882.3 (MANE Select); coding-DNA position 4090, G replaced by A.
Protein change: p.Gly1364Arg; replaces glycine 1364 with arginine.
Molecular consequence: missense variant. On other transcripts: 3 prime UTR variant (1).
Genome position (GRCh38, 1-based): chr19:40,394,262, C>T on the plus strand (G>A on the coding strand, the complement: PRX is on the minus strand). VCF-style: chr19-40394262-C-T. GRCh37 (hg19) VCF-style: chr19-40900169-C-T.
Other names: c.*4295G>A (NM_020956.2); short protein forms G1364R.
Identifiers: ClinVar variation 1015111 (VCV001015111.6), dbSNP rs1481896317, ClinGen allele CA405890819.